The following is an entry in ClinVar:

NM_170784.3(MKKS):c.121G>C (p.Gly41Arg)

Gene: MKKS (MKKS centrosomal shuttling protein; minus strand). Cytogenetic location: 20p12.2.
Variant type: single nucleotide variant.
Coding change: c.121G>C on transcript NM_170784.3 (MANE Select); coding-DNA position 121, G replaced by C.
Protein change: p.Gly41Arg; replaces glycine 41 with arginine.
Molecular consequence: missense variant.
Genome position (GRCh38, 1-based): chr20:10,413,394, C>G on the plus strand (G>C on the coding strand, the complement: MKKS is on the minus strand). VCF-style: chr20-10413394-C-G. GRCh37 (hg19) VCF-style: chr20-10394042-C-G.
Other names: c.121G>C, p.Gly41Arg (NM_018848.3); short protein forms G41R.
Identifiers: ClinVar variation 841278 (VCV000841278.18), dbSNP rs766132697, ClinGen allele CA9763737.

ClinVar aggregate classification (germline): Conflicting classifications of pathogenicity. Review status: criteria provided, conflicting classifications (1 of 4 stars). 6 submissions from 6 submitters: Pathogenic (2); Likely pathogenic (1); Uncertain significance (2). 1 of the submissions does not count toward it. Last evaluated 2024-10-18.

Conditions:
MKKS-related disorder. Also called: MKKS-related disorders; MKKS-related condition.
Bardet-Biedl syndrome 6 (BBS6). Identifiers: Orphanet 110, MedGen C1858054, MONDO:0011523, OMIM 605231.
McKusick-Kaufman syndrome (MKKS). Also called: HYDROMETROCOLPOS SYNDROME; HYDROMETROCOLPOS, POSTAXIAL POLYDACTYLY, AND CONGENITAL HEART MALFORMATION. Identifiers: Orphanet 2473, MedGen C0948368, MONDO:0009367, OMIM 236700.
Bardet-Biedl syndrome (BBS). Identifiers: Orphanet 110, MedGen C0752166, MONDO:0015229.

Allele frequency attached by ClinVar (database versions not stated): ExAC 0.00003; TOPMed 0.00003; gnomAD exomes 0.00004; gnomAD 0.00006 and 0.00007.
gnomAD v4.1: 33 of 1,612,846 alleles (0.002%); highest among the groups gnomAD compares: Non-Finnish European, 0.0026%; no homozygotes.

Submissions (6):

Blueprint Genetics
Classification: Pathogenic for MKKS-related disorders. Last evaluated: 2024-10-18. Review status: criteria provided, single submitter. Criteria: ACMG Guidelines, 2015. Collection method: clinical testing. Allele origin: germline. Affected: yes. Observed: 5 variant alleles.

Labcorp Genetics (formerly Invitae), Labcorp
Classification: Pathogenic for McKusick-Kaufman syndrome; Bardet-Biedl syndrome. Last evaluated: 2024-02-14. Review status: criteria provided, single submitter. Criteria: Invitae Variant Classification Sherloc (09022015). Collection method: clinical testing. Allele origin: germline.
Comment: This sequence change replaces glycine, which is neutral and non-polar, with arginine, which is basic and polar, at codon 41 of the MKKS protein (p.Gly41Arg). This variant is present in population databases (rs766132697, gnomAD 0.009%). This missense change has been observed in individual(s) with Bardet-Biedl syndrome (PMID: 20472660; Invitae). ClinVar contains an entry for this variant (Variation ID: 841278). Advanced modeling of protein sequence and biophysical properties (such as structural, functional, and spatial information, amino acid conservation, physicochemical variation, residue mobility, and thermodynamic stability) performed at Invitae indicates that this missense variant is expected to disrupt MKKS protein function with a positive predictive value of 80%. For these reasons, this variant has been classified as Pathogenic.

Women's Health and Genetics/Laboratory Corporation of America, LabCorp
Classification: Uncertain significance. Last evaluated: 2024-02-01. Review status: criteria provided, single submitter. Criteria: LabCorp Variant Classification Summary - May 2015. Collection method: clinical testing. Allele origin: germline.
Comment: Variant summary: MKKS c.121G>C (p.Gly41Arg) results in a non-conservative amino acid change in the encoded protein sequence. Five of five in-silico tools predict a damaging effect of the variant on protein function. The variant allele was found at a frequency of 3.6e-05 in 251080 control chromosomes. c.121G>C has been reported in the literature in individuals affected with Bardet-Biedl Syndrome (Billingsley_2010, Meyer_2022). These data indicate that the variant may be associated with disease. To our knowledge, no experimental evidence demonstrating an impact on protein function has been reported. The following publications have been ascertained in the context of this evaluation (PMID: 20472660, 35112343). ClinVar contains an entry for this variant (Variation ID: 841278). Based on the evidence outlined above, the variant was classified as VUS-possibly pathogenic.

Revvity Omics, Revvity
Classification: Likely pathogenic. Last evaluated: 2023-04-04. Review status: criteria provided, single submitter. Criteria: ACMG Guidelines, 2015. Collection method: clinical testing. Allele origin: germline.

Fulgent Genetics
Classification: Uncertain significance for McKusick-Kaufman syndrome; Bardet-Biedl syndrome 6. Last evaluated: 2022-03-02. Review status: criteria provided, single submitter. Criteria: ACMG Guidelines, 2015. Collection method: clinical testing. Allele origin: unknown.

PreventionGenetics, part of Exact Sciences
Classification: Pathogenic for MKKS-related condition. Last evaluated: 2024-07-05. Review status: no assertion criteria provided. Collection method: clinical testing. Allele origin: germline. Not counted in ClinVar's aggregate classification.
Comment: The MKKS c.121G>C variant is predicted to result in the amino acid substitution p.Gly41Arg. This missense variant was reported in the homozygous state in an individual diagnosed with Bardet-Biedl syndrome; however, no family or functional data was presented to support the pathogenicity of this variant (Billingsley et al 2010. PubMed ID 20472660). This variant is reported in 0.0085% of alleles in individuals of European (Non-Finnish) descent in gnomAD. Taken together, we interpret this variant as pathogenic.

Literature cited by the submitters: PubMed 20472660 (cited by Labcorp Genetics (formerly Invitae), Labcorp and Women's Health and Genetics/Laboratory Corporation of America, LabCorp); PubMed 35112343 (cited by Women's Health and Genetics/Laboratory Corporation of America, LabCorp).